The following is an entry in ClinVar:

ClinVar aggregate classification (germline): Uncertain significance (1 of 4 stars; one submission).

gnomAD v4.1: 1 of 1,611,000 alleles (0.000062%); highest among the groups gnomAD compares: African/African-American, 0.0013%; no homozygotes.

Submission:

GeneDx
Classification: Uncertain significance. Last evaluated: 2026-02-10. Review status: criteria provided, single submitter. Criteria: GeneDx Variant Classification Process June 2021. Collection method: clinical testing. Allele origin: germline.
Comment: Not observed at significant frequency in large population cohorts (gnomAD); In silico analysis supports that this missense variant has a deleterious effect on protein structure/function; Has not been previously published as pathogenic or benign to our knowledge

NM_000297.4(PKD2):c.2335A>G (p.Arg779Gly)

Gene: PKD2 (polycystin 2, transient receptor potential cation channel; plus strand). Cytogenetic location: 4q22.1.
Variant type: single nucleotide variant.
Coding change: c.2335A>G on transcript NM_000297.4 (MANE Select); coding-DNA position 2335, A replaced by G.
Protein change: p.Arg779Gly; replaces arginine 779 with glycine.
Molecular consequence: missense variant. On other transcripts: non-coding transcript variant (1).
Genome position (GRCh38, 1-based): chr4:88,065,856, A>G. VCF-style: chr4-88065856-A-G. GRCh37 (hg19) VCF-style: chr4-88987008-A-G.
Other names: c.2110A>G, p.Arg704Gly (NM_001440544.1); short protein forms R704G, R779G.
Identifiers: ClinVar variation 4975703 (VCV004975703.1).
Genomic context (GRCh38, chr4:88,065,856, plus strand): 5'-TTCACAAAGTACGACCAAGATGGAGACCAAGAACTGACCGAACATGAACATCAGCAGATG[A>G]GAGACGACTTGGAGAAAGAGAGGGTGGGTCTGGTTTAGGAGAACCGGATTTGATTTGGTA-3'
Protein context (NP_000288.1, residues 769-789): ELTEHEHQQM[Arg779Gly]DDLEKEREDL